The following is an entry in ClinVar:

ClinVar aggregate classification (germline): Uncertain significance (1 of 4 stars; one submission).

Submission:

Labcorp Genetics (formerly Invitae), Labcorp
Classification: Uncertain significance. Last evaluated: 2024-04-03. Review status: criteria provided, single submitter. Criteria: Invitae Variant Classification Sherloc (09022015). Collection method: clinical testing. Allele origin: germline.
Comment: This sequence change falls in intron 8 of the DSG1 gene. It does not directly change the encoded amino acid sequence of the DSG1 protein. It affects a nucleotide within the consensus splice site. This variant is not present in population databases (gnomAD no frequency). This variant has not been reported in the literature in individuals affected with DSG1-related conditions. Variants that disrupt the consensus splice site are a relatively common cause of aberrant splicing (PMID: 17576681, 9536098). Algorithms developed to predict the effect of sequence changes on RNA splicing suggest that this variant is not likely to affect RNA splicing. In summary, the available evidence is currently insufficient to determine the role of this variant in disease. Therefore, it has been classified as a Variant of Uncertain Significance.

Literature cited by the submitters: PubMed 17576681; PubMed 9536098.

NM_001942.4(DSG1):c.1005+6G>C

Gene: DSG1 (desmoglein 1; plus strand). Cytogenetic location: 18q12.1.
Variant type: single nucleotide variant.
Coding change: c.1005+6G>C on transcript NM_001942.4 (MANE Select); 6 bases into the intron after coding-DNA position 1005, G replaced by C.
Molecular consequence: intron variant.
Genome position (GRCh38, 1-based): chr18:31,334,208, G>C. VCF-style: chr18-31334208-G-C. GRCh37 (hg19) VCF-style: chr18-28914171-G-C.
Identifiers: ClinVar variation 3695324 (VCV003695324.2).
Genomic context (GRCh38, chr18:31,334,208, plus strand): 5'-GTTTGAGATAGAAATGAATGAAAGAACAAATGTGGGAATTTTAAAGGTTGTTAAGGTATG[G>C]TATAATTATCCTAAATATTTTGTTTTCTTAATCTTTTTTCAAAATGTTAAACTTAAAATA-3'